The following is an entry in ClinVar:

ClinVar aggregate classification (germline): Pathogenic. Review status: criteria provided, multiple submitters, no conflicts (2 of 4 stars). 6 submissions from 6 submitters: Pathogenic (5). 1 of the submissions does not count toward it. Last evaluated 2024-03-12.

Conditions:
Spastic paraplegia. Identifiers: MedGen C0037772, HP:0001258.
Charlevoix-Saguenay spastic ataxia (SACS). Also called: SPASTIC ATAXIA 6, AUTOSOMAL RECESSIVE; Spastic ataxia of Charlevoix-Saguenay; AUTOSOMAL RECESSIVE SPASTIC ATAXIA OF CHARLEVOIX-SAGUENAY. Identifiers: Orphanet 98, MedGen C1849140, MONDO:0010041, OMIM 270550.

Allele frequency attached by ClinVar (database versions not stated): gnomAD exomes below 0.00001 and 0.00001; TOPMed below 0.00001.
gnomAD v4.1: 14 of 1,614,016 alleles (0.00087%); highest among the groups gnomAD compares: Non-Finnish European, 0.0011%; no homozygotes.

Submissions (6):

Baylor Genetics
Classification: Pathogenic for Charlevoix-Saguenay spastic ataxia. Last evaluated: 2024-03-12. Review status: criteria provided, single submitter. Criteria: ACMG Guidelines, 2015. Collection method: clinical testing. Allele origin: unknown.

Labcorp Genetics (formerly Invitae), Labcorp
Classification: Pathogenic for Spastic paraplegia. Last evaluated: 2023-07-07. Review status: criteria provided, single submitter. Criteria: Invitae Variant Classification Sherloc (09022015). Collection method: clinical testing. Allele origin: germline.
Comment: This premature translational stop signal has been observed in individuals with hereditary spastic paraplegia (PMID: 21410841, 22816526). For these reasons, this variant has been classified as Pathogenic. This variant disrupts a region of the SACS protein in which other variant(s) (p.Asn4549Asp) have been determined to be pathogenic (PMID: 15156359, 21507954). This suggests that this is a clinically significant region of the protein, and that variants that disrupt it are likely to be disease-causing. ClinVar contains an entry for this variant (Variation ID: 556533). This variant is present in population databases (no rsID available, gnomAD 0.003%). This sequence change creates a premature translational stop signal (p.Arg1907*) in the SACS gene. While this is not anticipated to result in nonsense mediated decay, it is expected to disrupt the last 2673 amino acid(s) of the SACS protein.

PROSPAX: an integrated multimodal progression  chart in spastic ataxias, Center for Neurology; Hertie-Institute for Clinical Brain Research
Classification: Pathogenic for Charlevoix-Saguenay spastic ataxia. Last evaluated: 2022-01-01. Review status: criteria provided, single submitter. Criteria: ACMG Guidelines, 2015. Collection method: research. Allele origin: germline. Affected: yes. Observed: 2 variant alleles, 2 compound heterozygotes.

Women's Health and Genetics/Laboratory Corporation of America, LabCorp
Classification: Pathogenic for Charlevoix-Saguenay spastic ataxia. Last evaluated: 2021-09-23. Review status: criteria provided, single submitter. Criteria: LabCorp Variant Classification Summary - May 2015. Collection method: clinical testing. Allele origin: germline.
Comment: Variant summary: SACS c.5719C>T (p.Arg1907X) results in a premature termination codon, predicted to cause a truncation of the encoded protein or absence of the protein due to nonsense mediated decay, which are commonly known mechanisms for disease. Truncations downstream of this position have been classified as pathogenic by our laboratory. The variant allele was found at a frequency of 4e-06 in 251294 control chromosomes. c.5719C>T has been reported in the literature in multiple individuals affected with Autosomal Recessive Spastic Ataxia Of Charlevoix-Saguenay (example, Prodi_2013, Romano_2013, Criscuolo_2015, Pensabene_2020). These data indicate that the variant is very likely to be associated with disease. To our knowledge, no experimental evidence demonstrating an impact on protein function has been reported. One clinical diagnostic laboratory has submitted clinical-significance assessments for this variant to ClinVar after 2014 without evidence for independent evaluation. One laboratory classified the variant as pathogenic. Based on the evidence outlined above, the variant was classified as pathogenic.

Genome-Nilou Lab
Classification: Pathogenic for Charlevoix-Saguenay spastic ataxia. Last evaluated: 2021-09-05. Review status: criteria provided, single submitter. Criteria: ACMG Guidelines, 2015. Collection method: clinical testing. Allele origin: germline. Affected: no.

Counsyl
Classification: Pathogenic for Charlevoix-Saguenay spastic ataxia. Last evaluated: 2018-02-06. Review status: no assertion criteria provided. Collection method: clinical testing. Allele origin: unknown. Not counted in ClinVar's aggregate classification.

Literature cited by the submitters: PubMed 21410841 (cited by Labcorp Genetics (formerly Invitae), Labcorp); PubMed 22816526 (cited by 3 submitters); PubMed 15156359 (cited by Labcorp Genetics (formerly Invitae), Labcorp); PubMed 21507954 (cited by Labcorp Genetics (formerly Invitae), Labcorp); PubMed 23280630 (cited by Women's Health and Genetics/Laboratory Corporation of America, LabCorp and Counsyl); PubMed 26530509 (cited by Women's Health and Genetics/Laboratory Corporation of America, LabCorp); PubMed 32140197 (cited by Women's Health and Genetics/Laboratory Corporation of America, LabCorp).

NM_014363.6(SACS):c.5719C>T (p.Arg1907Ter)

Gene: SACS (sacsin molecular chaperone; minus strand). Cytogenetic location: 13q12.12.
Variant type: single nucleotide variant.
Coding change: c.5719C>T on transcript NM_014363.6 (MANE Select); coding-DNA position 5719, C replaced by T.
Protein change: p.Arg1907Ter; replaces arginine 1907 with a stop codon.
Molecular consequence: nonsense.
Genome position (GRCh38, 1-based): chr13:23,338,157, G>A on the plus strand (C>T on the coding strand, the complement: SACS is on the minus strand). VCF-style: chr13-23338157-G-A. GRCh37 (hg19) VCF-style: chr13-23912296-G-A.
Other names: c.5278C>T, p.Arg1760Ter (NM_001278055.2); short protein forms R1907*, R1760*.
Identifiers: ClinVar variation 556533 (VCV000556533.12), dbSNP rs1485209013, ClinGen allele CA387524925.